The following is an entry in ClinVar:

NM_000088.4(COL1A1):c.3207+1G>A

Gene: COL1A1 (collagen type I alpha 1 chain; minus strand). Cytogenetic location: 17q21.33.
Variant type: single nucleotide variant.
Coding change: c.3207+1G>A on transcript NM_000088.4 (MANE Select); the canonical splice donor site of the intron after coding-DNA position 3207, G replaced by A.
Molecular consequence: splice donor variant.
Genome position (GRCh38, 1-based): chr17:50,188,529, C>T on the plus strand (G>A on the coding strand, the complement: COL1A1 is on the minus strand). VCF-style: chr17-50188529-C-T. GRCh37 (hg19) VCF-style: chr17-48265890-C-T.
Identifiers: ClinVar variation 488809 (VCV000488809.16), dbSNP rs1555572239, ClinGen allele CA400200497.

ClinVar aggregate classification (germline): Pathogenic. Review status: criteria provided, multiple submitters, no conflicts (2 of 4 stars). 4 submissions from 4 submitters: Pathogenic (4). Last evaluated 2026-02-18.

Conditions:
Osteogenesis imperfecta type I (OI1). Also called: OI, TYPE I; OSTEOGENESIS IMPERFECTA TARDA; OSTEOGENESIS IMPERFECTA WITH BLUE SCLERAE; Classic Non-deforming Osteogenesis Imperfecta with Blue Sclerae; Lobstein disease; Osteogenesis imperfecta type 1. Identifiers: Orphanet 216796, Orphanet 666, MedGen C0023931, MONDO:0008146, OMIM 166200. Disease mechanism: loss of function.

Allele frequency attached by ClinVar (database versions not stated): gnomAD exomes below 0.00001.
gnomAD v4.1: 1 of 1,613,946 alleles (0.000062%); highest among the groups gnomAD compares: Non-Finnish European, 0.000085%; no homozygotes.

Submissions (4):

Dasa
Classification: Pathogenic. Last evaluated: 2026-02-18. Review status: criteria provided, single submitter. Criteria: DASA Assertion Criteria. Collection method: clinical testing. Allele origin: germline.
Comment: NM_000088.4(COL1A1):c.3207+1G>A affects a canonical splice site and is predicted to disrupt normal RNA splicing, leading to loss of normal protein function. Loss-of-function is an established mechanism of disease for this gene. Segregation evidence has been reported in affected families. Functional evidence supports a deleterious effect on the gene or gene product (PMID: 22565191). This variant has been reported in individuals with related phenotype (PMID: 22565191). The variant is present at low frequency in population datasets. Based on the available data, this variant is classified as pathogenic.

Labcorp Genetics (formerly Invitae), Labcorp
Classification: Pathogenic for Osteogenesis imperfecta type I. Last evaluated: 2025-07-10. Review status: criteria provided, single submitter. Criteria: Invitae Variant Classification Sherloc (09022015). Collection method: clinical testing. Allele origin: germline.
Comment: This sequence change affects a donor splice site in intron 43 of the COL1A1 gene. It is expected to disrupt RNA splicing. Variants that disrupt the donor or acceptor splice site typically lead to a loss of protein function (PMID: 16199547), and loss-of-function variants in COL1A1 are known to be pathogenic (PMID: 7942841, 9295084, 9443882). This variant is not present in population databases (gnomAD no frequency). Disruption of this splice site has been observed in individual(s) with osteogenesis imperfecta (PMID: 22565191). It has also been observed to segregate with disease in related individuals. ClinVar contains an entry for this variant (Variation ID: 488809). Algorithms developed to predict the effect of sequence changes on RNA splicing suggest that this variant may disrupt the consensus splice site. For these reasons, this variant has been classified as Pathogenic.

Clinical Biomedical Laboratory, Shriners Hospital For Children - Canada
Classification: Pathogenic for Osteogenesis imperfecta type I. Last evaluated: 2025-06-18. Review status: criteria provided, single submitter. Criteria: ACMG Guidelines, 2015. Collection method: clinical testing. Allele origin: germline. Affected: yes.
Comment: This variant affects a canonical a donor splice site in intron 43 of COL1A1, a gene for which loss-of-function is a known mechanism of disease. This variant has been previously reported in the literature as a cause of osteogenesis imperfecta type 1 (PMID 22565191). In the Genome Aggregation Database (gnomAD v2.1.1) this variant is not present, indicating it is very rare.

GeneDx
Classification: Pathogenic. Last evaluated: 2024-03-19. Review status: criteria provided, single submitter. Criteria: GeneDx Variant Classification Process June 2021. Collection method: clinical testing. Allele origin: germline. Affected: yes.
Comment: Published functional studies demonstrate the activation of a new cryptic splice donor site upstream of the destroyed canonical splice site, resulting in nonsense-mediated mRNA decay or an abnormal protein product if used for protein translation (PMID: 22565191); Canonical splice site variant predicted to result in a null allele in a gene for which loss of function is a known mechanism of disease; Not observed at significant frequency in large population cohorts (gnomAD); This variant is associated with the following publications: (PMID: 23800666, 35154279, 22565191, 25963598, 33939306)

Literature cited by the submitters: PubMed 22565191 (cited by 3 submitters); PubMed 16199547 (cited by Labcorp Genetics (formerly Invitae), Labcorp); PubMed 7942841 (cited by Labcorp Genetics (formerly Invitae), Labcorp); PubMed 9295084 (cited by Labcorp Genetics (formerly Invitae), Labcorp); PubMed 9443882 (cited by Labcorp Genetics (formerly Invitae), Labcorp).